The following is an entry in ClinVar:

ClinVar aggregate classification (germline): Uncertain significance (1 of 4 stars; one submission).

Conditions:
Hereditary cancer-predisposing syndrome. Also called: Neoplastic Syndromes, Hereditary; Tumor predisposition; Hereditary Cancer Syndrome; Hereditary neoplastic syndrome. Identifiers: Orphanet 140162, MedGen C0027672, MeSH D009386, MONDO:0015356.

Submission:

Ambry Genetics
Classification: Uncertain significance for Hereditary cancer-predisposing syndrome. Last evaluated: 2026-03-31. Review status: criteria provided, single submitter. Criteria: Ambry Variant Classification Scheme 2023. Collection method: clinical testing. Allele origin: germline.
Comment: The c.1728G>A variant (also known as p.Q576Q), located in coding exon 12 of the PTCH1 gene, results from a G to A substitution at nucleotide position 1728. This nucleotide substitution does not change the glutamine at codon 576. This nucleotide position is not well conserved in available vertebrate species. In silico splice site analysis predicts that this alteration may weaken the native splice donor site. Based on the available evidence, the clinical significance of this variant remains unclear.

NM_000264.5(PTCH1):c.1728G>A (p.Gln576=)

Gene: PTCH1 (patched 1; minus strand). Cytogenetic location: 9q22.32.
Variant type: single nucleotide variant.
Coding change: c.1728G>A on transcript NM_000264.5 (MANE Select); coding-DNA position 1728, G replaced by A.
Protein change: p.Gln576=; no amino-acid change (glutamine 576 retained).
Molecular consequence: synonymous variant. On other transcripts: non-coding transcript variant (1).
Genome position (GRCh38, 1-based): chr9:95,476,034, C>T on the plus strand (G>A on the coding strand, the complement: PTCH1 is on the minus strand). VCF-style: chr9-95476034-C-T. GRCh37 (hg19) VCF-style: chr9-98238316-C-T.
Other names: c.1530G>A, p.Gln510= (NM_001083602.3); c.1725G>A, p.Gln575= (NM_001083603.3); c.1275G>A, p.Gln425= (NM_001083604.3, NM_001083605.3, NM_001083606.3 and 1 more transcripts); c.1572G>A, p.Gln524= (NM_001354918.2).
Identifiers: ClinVar variation 4862648 (VCV004862648.1).